The following is an entry in ClinVar:

ClinVar aggregate classification (germline): Uncertain significance. Review status: criteria provided, multiple submitters, no conflicts (2 of 4 stars). 2 submissions from 2 submitters: Uncertain significance (2). Last evaluated 2022-01-10.

Conditions:
Acyl-CoA dehydrogenase 9 deficiency. Also called: MITOCHONDRIAL COMPLEX I DEFICIENCY, NUCLEAR TYPE 20; Acyl-CoA dehydrogenase family, member 9, deficiency of. Identifiers: Orphanet 99901, MedGen C4747517, MONDO:0012624, OMIM 611126.

Allele frequency attached by ClinVar (database versions not stated): gnomAD 0.00001; TOPMed 0.00001.
gnomAD v4.1: 9 of 1,614,204 alleles (0.00056%); highest among the groups gnomAD compares: Middle Eastern, 0.099%; no homozygotes.

Submissions (2):

Blueprint Genetics
Classification: Uncertain significance. Last evaluated: 2022-01-10. Review status: criteria provided, single submitter. Criteria: ACMG Guidelines, 2015. Collection method: clinical testing. Allele origin: germline.

Baylor Genetics
Classification: Uncertain significance for Acyl-CoA dehydrogenase 9 deficiency. Last evaluated: 2019-11-05. Review status: criteria provided, single submitter. Criteria: ACMG Guidelines, 2015. Collection method: clinical testing. Allele origin: unknown. Affected: yes.
Comment: This variant was determined to be of uncertain significance according to ACMG Guidelines, 2015 [PMID:25741868].

NM_014049.5(ACAD9):c.1312C>G (p.Leu438Val)

Gene: ACAD9 (acyl-CoA dehydrogenase family member 9; plus strand). Cytogenetic location: 3q21.3.
Variant type: single nucleotide variant.
Coding change: c.1312C>G on transcript NM_014049.5 (MANE Select); coding-DNA position 1312, C replaced by G.
Protein change: p.Leu438Val; replaces leucine 438 with valine.
Molecular consequence: missense variant. On other transcripts: non-coding transcript variant (1).
Genome position (GRCh38, 1-based): chr3:128,908,218, C>G. VCF-style: chr3-128908218-C-G. GRCh37 (hg19) VCF-style: chr3-128627061-C-G.
Other names: short protein forms L438V.
Identifiers: ClinVar variation 1031233 (VCV001031233.2), dbSNP rs749932833, ClinGen allele CA82536237.